The following is an entry in ClinVar:

NM_000254.3(MTR):c.3172C>T (p.Pro1058Ser)

Gene: MTR (5-methyltetrahydrofolate-homocysteine methyltransferase; plus strand). Cytogenetic location: 1q43.
Variant type: single nucleotide variant.
Coding change: c.3172C>T on transcript NM_000254.3 (MANE Select); coding-DNA position 3172, C replaced by T.
Protein change: p.Pro1058Ser; replaces proline 1058 with serine.
Molecular consequence: missense variant.
Genome position (GRCh38, 1-based): chr1:236,891,297, C>T. VCF-style: chr1-236891297-C-T. GRCh37 (hg19) VCF-style: chr1-237054597-C-T.
Other names: c.3019C>T, p.Pro1007Ser (NM_001291939.1); c.1951C>T, p.Pro651Ser (NM_001291940.2); short protein forms P1007S, P1058S, P651S.
Identifiers: ClinVar variation 1019251 (VCV001019251.6), dbSNP rs780045701, ClinGen allele CA1474619.

ClinVar aggregate classification (germline): Uncertain significance (1 of 4 stars; one submission).

Conditions:
Methylcobalamin deficiency type cblG (HMAG). Also called: HOMOCYSTINURIA-MEGALOBLASTIC ANEMIA DUE TO DEFECT IN COBALAMIN METABOLISM, cblG COMPLEMENTATION TYPE; Functional methionine synthase deficiency type cblG; HOMOCYSTINURIA-MEGALOBLASTIC ANEMIA, cblG COMPLEMENTATION TYPE; HOMOCYSTINURIA-MEGALOBLASTIC ANEMIA, cblG TYPE. Identifiers: Orphanet 2170, Orphanet 622, MedGen C1855128, MONDO:0009609, OMIM 250940.

Allele frequency attached by ClinVar (database versions not stated): TOPMed below 0.00001; ExAC 0.00002; gnomAD exomes 0.00002 and 0.00003.
gnomAD v4.1: 23 of 1,614,102 alleles (0.0014%); highest among the groups gnomAD compares: Non-Finnish European, 0.0019%; no homozygotes.

Submission:

Labcorp Genetics (formerly Invitae), Labcorp
Classification: Uncertain significance for Methylcobalamin deficiency type cblG. Last evaluated: 2021-09-01. Review status: criteria provided, single submitter. Criteria: Invitae Variant Classification Sherloc (09022015). Collection method: clinical testing. Allele origin: germline.
Comment: This sequence change replaces proline with serine at codon 1058 of the MTR protein (p.Pro1058Ser). The proline residue is moderately conserved and there is a moderate physicochemical difference between proline and serine. This variant is present in population databases (rs780045701, ExAC 0.004%). This variant has not been reported in the literature in individuals affected with MTR-related conditions. Algorithms developed to predict the effect of missense changes on protein structure and function (SIFT, PolyPhen-2, Align-GVGD) all suggest that this variant is likely to be tolerated. In summary, the available evidence is currently insufficient to determine the role of this variant in disease. Therefore, it has been classified as a Variant of Uncertain Significance.